The following is an entry in ClinVar:

NM_006015.6(ARID1A):c.5615C>T (p.Ala1872Val)

Gene: ARID1A (AT-rich interaction domain 1A; plus strand). Cytogenetic location: 1p36.11.
Variant type: single nucleotide variant.
Coding change: c.5615C>T on transcript NM_006015.6 (MANE Select); coding-DNA position 5615, C replaced by T.
Protein change: p.Ala1872Val; replaces alanine 1872 with valine.
Molecular consequence: missense variant.
Genome position (GRCh38, 1-based): chr1:26,779,513, C>T. VCF-style: chr1-26779513-C-T. GRCh37 (hg19) VCF-style: chr1-27106004-C-T.
Other names: c.4964C>T, p.Ala1655Val (NM_139135.4); short protein forms A1655V, A1872V.
Identifiers: ClinVar variation 1260649 (VCV001260649.10), dbSNP rs191813608, ClinGen allele CA707726.

ClinVar aggregate classification (germline): Benign/Likely benign. Review status: criteria provided, multiple submitters, no conflicts (2 of 4 stars). 4 submissions from 4 submitters: Benign (2); Likely benign (1). 1 of the submissions does not count toward it. Last evaluated 2026-07-01.

Conditions:
ARID1A-related disorder. Also called: ARID1A-related condition.

Allele frequency attached by ClinVar (database versions not stated): gnomAD exomes 0.00005 and 0.00019; gnomAD 0.00007 and 0.00011; ExAC 0.00012; TOPMed 0.00014; 1000 Genomes Project 30x 0.00078; 1000 Genomes Project 0.00080.
gnomAD v4.1: 94 of 1,614,134 alleles (0.0058%); highest among the groups gnomAD compares: East Asian, 0.18%; no homozygotes.

Submissions (4):

CeGaT Center for Human Genetics Tuebingen
Classification: Likely benign. Last evaluated: 2026-07-01. Review status: criteria provided, single submitter. Criteria: CeGaT Center For Human Genetics Tuebingen Variant Classification Criteria Version 2. Collection method: clinical testing. Allele origin: germline. Affected: yes. Observed: 1 variant allele.
Comment: ARID1A: BP4, BS1

Labcorp Genetics (formerly Invitae), Labcorp
Classification: Benign. Last evaluated: 2025-11-02. Review status: criteria provided, single submitter. Criteria: Invitae Variant Classification Sherloc (09022015). Collection method: clinical testing. Allele origin: germline.

GeneDx
Classification: Benign. Last evaluated: 2021-06-21. Review status: criteria provided, single submitter. Criteria: GeneDx Variant Classification Process June 2021. Collection method: clinical testing. Allele origin: germline. Affected: yes.

PreventionGenetics, part of Exact Sciences
Classification: Likely benign for ARID1A-related condition. Last evaluated: 2021-06-03. Review status: no assertion criteria provided. Collection method: clinical testing. Allele origin: germline. Not counted in ClinVar's aggregate classification.
Comment: This variant is classified as likely benign based on ACMG/AMP sequence variant interpretation guidelines (Richards et al. 2015 PMID: 25741868, with internal and published modifications).